The following is an entry in ClinVar:

ClinVar aggregate classification (germline): Uncertain significance (1 of 4 stars; one submission).

Conditions:
Inborn genetic diseases. Identifiers: MedGen C0950123, MeSH D030342.

gnomAD v4.1: 2 of 1,613,722 alleles (0.00012%); highest among the groups gnomAD compares: Admixed American, 0.0033%; no homozygotes.

Submission:

Ambry Genetics
Classification: Uncertain significance for Inborn genetic diseases. Last evaluated: 2024-12-06. Review status: criteria provided, single submitter. Criteria: Ambry Variant Classification Scheme 2023. Collection method: clinical testing. Allele origin: germline.
Comment: The p.A1249S variant (also known as c.3745G>T), located in coding exon 1 of the SAMD9L gene, results from a G to T substitution at nucleotide position 3745. The alanine at codon 1249 is replaced by serine, an amino acid with similar properties. This amino acid position is conserved. In addition, this alteration is predicted to be tolerated by in silico analysis. Based on the available evidence, the clinical significance of this variant remains unclear.

NM_152703.5(SAMD9L):c.3745G>T (p.Ala1249Ser)

Gene: SAMD9L (sterile alpha motif domain containing 9 like; minus strand). Cytogenetic location: 7q21.2.
Variant type: single nucleotide variant.
Coding change: c.3745G>T on transcript NM_152703.5 (MANE Select); coding-DNA position 3745, G replaced by T.
Protein change: p.Ala1249Ser; replaces alanine 1249 with serine.
Molecular consequence: missense variant.
Genome position (GRCh38, 1-based): chr7:93,132,227, C>A on the plus strand (G>T on the coding strand, the complement: SAMD9L is on the minus strand). VCF-style: chr7-93132227-C-A. GRCh37 (hg19) VCF-style: chr7-92761540-C-A.
Other names: c.3745G>T, p.Ala1249Ser (NM_001303496.3, NM_001303497.3, NM_001303498.3 and 5 more transcripts); short protein forms A1249S.
Identifiers: ClinVar variation 3437225 (VCV003437225.1).